The following is an entry in ClinVar:

NM_000535.7(PMS2):c.1844T>C (p.Val615Ala)

Gene: PMS2 (PMS1 homolog 2, mismatch repair system component; minus strand). Cytogenetic location: 7p22.1.
Variant type: single nucleotide variant.
Coding change: c.1844T>C on transcript NM_000535.7 (MANE Select); coding-DNA position 1844, T replaced by C.
Protein change: p.Val615Ala; replaces valine 615 with alanine.
Molecular consequence: missense variant. On other transcripts: non-coding transcript variant (1).
Genome position (GRCh38, 1-based): chr7:5,986,921, A>G on the plus strand (T>C on the coding strand, the complement: PMS2 is on the minus strand). VCF-style: chr7-5986921-A-G. GRCh37 (hg19) VCF-style: chr7-6026552-A-G.
Other names: c.1439T>C, p.Val480Ala (NM_001322003.2, NM_001322004.2, NM_001322005.2 and 1 more transcripts); c.1688T>C, p.Val563Ala (NM_001322006.2); c.1526T>C, p.Val509Ala (NM_001322007.2, NM_001322008.2); c.1283T>C, p.Val428Ala (NM_001322010.2); c.911T>C, p.Val304Ala (NM_001322011.2, NM_001322012.2); c.1271T>C, p.Val424Ala (NM_001322013.2); c.1844T>C, p.Val615Ala (NM_001322014.2); c.1535T>C, p.Val512Ala (NM_001322015.2); short protein forms V615A, V304A, V480A, V509A, V512A, V428A, V563A, V424A.
Identifiers: ClinVar variation 411018 (VCV000411018.10), dbSNP rs1060503112, ClinGen allele CA16612120.

ClinVar aggregate classification (germline): Uncertain significance. Review status: criteria provided, multiple submitters, no conflicts (2 of 4 stars). 3 submissions from 3 submitters: Uncertain significance (3). Last evaluated 2025-05-09.

Conditions:
Lynch syndrome 4 (LYNCH4). Also called: Colorectal cancer, hereditary nonpolyposis, type 4; Hereditary non-polyposis colorectal cancer, type 4. Identifiers: Orphanet 144, MedGen C1838333, MONDO:0013699, OMIM 614337. Disease mechanism: loss of function.
Hereditary nonpolyposis colorectal neoplasms. Identifiers: MedGen C0009405, MeSH D003123.
Hereditary cancer-predisposing syndrome. Also called: Tumor predisposition; Hereditary Cancer Syndrome; Hereditary neoplastic syndrome; Neoplastic Syndromes, Hereditary. Identifiers: Orphanet 140162, MedGen C0027672, MeSH D009386, MONDO:0015356.

Allele frequency attached by ClinVar (database versions not stated): TOPMed 0.00001.

Submissions (3):

Ambry Genetics
Classification: Uncertain significance for Hereditary cancer-predisposing syndrome. Last evaluated: 2025-05-09. Review status: criteria provided, single submitter. Criteria: Ambry Variant Classification Scheme 2023. Collection method: clinical testing. Allele origin: germline.
Comment: The p.V615A variant (also known as c.1844T>C), located in coding exon 11 of the PMS2 gene, results from a T to C substitution at nucleotide position 1844. The valine at codon 615 is replaced by alanine, an amino acid with similar properties. This amino acid position is conserved. In addition, this alteration is predicted to be tolerated by in silico analysis. Based on the available evidence, the clinical significance of this variant remains unclear.

Labcorp Genetics (formerly Invitae), Labcorp
Classification: Uncertain significance for Hereditary nonpolyposis colorectal neoplasms. Last evaluated: 2023-07-22. Review status: criteria provided, single submitter. Criteria: Invitae Variant Classification Sherloc (09022015). Collection method: clinical testing. Allele origin: germline.
Comment: In summary, the available evidence is currently insufficient to determine the role of this variant in disease. Therefore, it has been classified as a Variant of Uncertain Significance. Advanced modeling of protein sequence and biophysical properties (such as structural, functional, and spatial information, amino acid conservation, physicochemical variation, residue mobility, and thermodynamic stability) performed at Invitae indicates that this missense variant is not expected to disrupt PMS2 protein function. ClinVar contains an entry for this variant (Variation ID: 411018). This variant has not been reported in the literature in individuals affected with PMS2-related conditions. This variant is not present in population databases (gnomAD no frequency). This sequence change replaces valine, which is neutral and non-polar, with alanine, which is neutral and non-polar, at codon 615 of the PMS2 protein (p.Val615Ala).

Baylor Genetics
Classification: Uncertain significance for Lynch syndrome 4. Last evaluated: 2023-07-21. Review status: criteria provided, single submitter. Criteria: ACMG Guidelines, 2015. Collection method: clinical testing. Allele origin: unknown.